The following is an entry in ClinVar:

NM_032043.3(BRIP1):c.3038C>T (p.Thr1013Ile)

Gene: BRIP1 (BRCA1 interacting DNA helicase 1; minus strand). Cytogenetic location: 17q23.2.
Variant type: single nucleotide variant.
Coding change: c.3038C>T on transcript NM_032043.3 (MANE Select); coding-DNA position 3038, C replaced by T.
Protein change: p.Thr1013Ile; replaces threonine 1013 with isoleucine.
Molecular consequence: missense variant.
Genome position (GRCh38, 1-based): chr17:61,684,008, G>A on the plus strand (C>T on the coding strand, the complement: BRIP1 is on the minus strand). VCF-style: chr17-61684008-G-A. GRCh37 (hg19) VCF-style: chr17-59761369-G-A.
Other names: short protein forms T1013I.
Identifiers: ClinVar variation 461134 (VCV000461134.18), dbSNP rs1372474933, ClinGen allele CA400479934.

ClinVar aggregate classification (germline): Uncertain significance. Review status: criteria provided, multiple submitters, no conflicts (2 of 4 stars). 5 submissions from 5 submitters: Uncertain significance (5). Last evaluated 2025-02-20.

Conditions:
BRIP1-related disorder. Also called: BRIP1-related condition; BRIP1-related disorders. Identifiers: MedGen CN239206.
Hereditary cancer-predisposing syndrome. Also called: Hereditary neoplastic syndrome; Neoplastic Syndromes, Hereditary; Tumor predisposition; Hereditary Cancer Syndrome. Identifiers: Orphanet 140162, MedGen C0027672, MeSH D009386, MONDO:0015356.
Fanconi anemia complementation group J. Also called: BRIP1-Related Fanconi Anemia. Identifiers: Orphanet 84, MedGen C1836860, MONDO:0012187, OMIM 609054.
Familial cancer of breast. Also called: BREAST CANCER, FAMILIAL; hereditary breast carcinoma; Hereditary breast cancer. Identifiers: Orphanet 227535, MedGen C0346153, MONDO:0016419, OMIM 114480. Disease mechanism: loss of function.

Allele frequency attached by ClinVar (database versions not stated): gnomAD exomes below 0.00001; gnomAD 0.00001; TOPMed 0.00001.
gnomAD v4.1: 3 of 1,613,990 alleles (0.00019%); highest among the groups gnomAD compares: African/African-American, 0.004%; no homozygotes.

Submissions (5):

Labcorp Genetics (formerly Invitae), Labcorp
Classification: Uncertain significance for Familial cancer of breast; Fanconi anemia complementation group J. Last evaluated: 2025-02-20. Review status: criteria provided, single submitter. Criteria: Invitae Variant Classification Sherloc (09022015). Collection method: clinical testing. Allele origin: germline.
Comment: This sequence change replaces threonine, which is neutral and polar, with isoleucine, which is neutral and non-polar, at codon 1013 of the BRIP1 protein (p.Thr1013Ile). This variant is present in population databases (no rsID available, gnomAD 0.007%). This variant has not been reported in the literature in individuals affected with BRIP1-related conditions. ClinVar contains an entry for this variant (Variation ID: 461134). Invitae Evidence Modeling of protein sequence and biophysical properties (such as structural, functional, and spatial information, amino acid conservation, physicochemical variation, residue mobility, and thermodynamic stability) indicates that this missense variant is not expected to disrupt BRIP1 protein function with a negative predictive value of 95%. In summary, the available evidence is currently insufficient to determine the role of this variant in disease. Therefore, it has been classified as a Variant of Uncertain Significance.

Ambry Genetics
Classification: Uncertain significance for Hereditary cancer-predisposing syndrome. Last evaluated: 2024-09-19. Review status: criteria provided, single submitter. Criteria: Ambry Variant Classification Scheme 2023. Collection method: clinical testing. Allele origin: germline.
Comment: The p.T1013I variant (also known as c.3038C>T), located in coding exon 19 of the BRIP1 gene, results from a C to T substitution at nucleotide position 3038. The threonine at codon 1013 is replaced by isoleucine, an amino acid with similar properties. This variant was observed in 0/1313 cases and 1/1123 controls from three population-based studies as part of the Breast Cancer Family Registry (Easton DF et al. J Med Genet, 2016 05;53:298-309). This amino acid position is not well conserved in available vertebrate species. In addition, this alteration is predicted to be tolerated by in silico analysis. Since supporting evidence is limited at this time, the clinical significance of this alteration remains unclear.

Baylor Genetics
Classification: Uncertain significance for Familial cancer of breast. Last evaluated: 2023-10-18. Review status: criteria provided, single submitter. Criteria: ACMG Guidelines, 2015. Collection method: clinical testing. Allele origin: unknown.

Color Diagnostics, LLC DBA Color Health
Classification: Uncertain significance for Hereditary cancer-predisposing syndrome. Last evaluated: 2023-08-30. Review status: criteria provided, single submitter. Criteria: ACMG Guidelines, 2015. Collection method: clinical testing. Allele origin: germline.
Comment: This missense variant replaces threonine with isoleucine at codon 1013 of the BRIP1 protein. Computational prediction suggests that this variant may not impact protein structure and function (internally defined REVEL score threshold <= 0.5, PMID: 27666373). To our knowledge, functional studies have not been reported for this variant. This variant has been reported in a breast cancer case-control study in 1/1123 unaffected individuals and absent in 1313 cases (PMID: 26921362). This variant has been identified in 1/251380 chromosomes in the general population by the Genome Aggregation Database (gnomAD). The available evidence is insufficient to determine the role of this variant in disease conclusively. Therefore, this variant is classified as a Variant of Uncertain Significance.

PreventionGenetics, part of Exact Sciences
Classification: Uncertain significance for BRIP1-related condition. Last evaluated: 2023-08-11. Review status: criteria provided, single submitter. Criteria: ACMG Guidelines, 2015. Collection method: clinical testing. Allele origin: germline.
Comment: The BRIP1 c.3038C>T variant is predicted to result in the amino acid substitution p.Thr1013Ile. To our knowledge, this variant has not been reported in the literature in association with disease. This variant was reported in one control individual in a large breast cancer study (Easton et al. 2016. PubMed ID: 26921362), and it is documented in 0.0062% of alleles in individuals of African descent in gnomAD. In ClinVar, this variant is classified as having uncertain clinical significance. At this time, the clinical significance of this variant is uncertain due to the absence of conclusive functional and genetic evidence.

Literature cited by the submitters: PubMed 26921362 (cited by Ambry Genetics and Color Diagnostics, LLC DBA Color Health).